The following is an entry in ClinVar:

NM_005629.4(SLC6A8):c.54G>C (p.Lys18Asn)

Gene: SLC6A8 (solute carrier family 6 member 8; plus strand). Cytogenetic location: Xq28.
Variant type: single nucleotide variant.
Coding change: c.54G>C on transcript NM_005629.4 (MANE Select); coding-DNA position 54, G replaced by C.
Protein change: p.Lys18Asn; replaces lysine 18 with asparagine.
Molecular consequence: missense variant.
Genome position (GRCh38, 1-based): chrX:153,688,628, G>C. VCF-style: chrX-153688628-G-C. GRCh37 (hg19) VCF-style: chrX-152954083-G-C.
Other names: NM_005629.4(SLC6A8):c.54G>C; p.Lys18Asn; c.54G>C, p.Lys18Asn (NM_001142805.2); short protein forms K18N.
Identifiers: ClinVar variation 655315 (VCV000655315.14), dbSNP rs1261794545, ClinGen allele CA415076044.

ClinVar aggregate classification (germline): Benign. Review status: reviewed by expert panel (3 of 4 stars). 4 submissions from 4 submitters: Benign (1). 3 of the submissions do not count toward it. Last evaluated 2026-08-10.

Conditions:
Creatine deficiency syndrome 1.
Inborn genetic diseases. Identifiers: MedGen C0950123, MeSH D030342.
Creatine transporter deficiency (CCDS1). Also called: Creatine Transporter (CRTR) Deficiency; CEREBRAL CREATINE DEFICIENCY SYNDROME 1; Mental retardation , X-linked with seizures, short stature and midface hypoplasia; Mental retardation , X-linked, with creatine transport deficiency; X-linked creatine transporter deficiency; X-linked creatine deficiency syndrome. Identifiers: Orphanet 52503, MedGen C1845862, MONDO:0010305, OMIM 300352.

Allele frequency attached by ClinVar (database versions not stated): TOPMed 0.00001; gnomAD exomes 0.00002; gnomAD 0.00001.
gnomAD v4.1: 66 of 1,077,643 alleles (0.0061%); highest among the groups gnomAD compares: Non-Finnish European, 0.0079%; no homozygotes.

Submissions (4):

ClinGen Cerebral Creatine Deficiency Syndromes Variant Curation Expert Panel, ClinGen
Classification: Benign for Creatine transporter deficiency. Last evaluated: 2026-08-10. Review status: reviewed by expert panel. Criteria: ClinGen CCDS ACMG Specifications SLC6A8 V2.1. Collection method: curation. Allele origin: germline. Inheritance: X-linked inheritance.
Comment: The NM_005629.4:c.54G>C variant in SLC6A8 is a missense variant predicted to cause the substitution of a lysine by an asparagine at amino acid position (p.Lys18Asn). To our knowledge, this variant has not been reported in any individuals with creatine transporter deficiency in the literature. There are 21 total hemizygotes in gnomAD v4.1.0, which is higher than the ClinGen CCDS VCEP’s threshold for BA1 (≥10 total homo- and hemizygotes), and therefore meets this criterion (BA1). The computational predictor REVEL gives a score of 0.114 (BP4), evidence that does not predict a damaging effect on SLC6A8 function (BP4). There is a ClinVar entry for this variant (Variation ID: 655315). In summary, this variant meets the criteria to be classified as benign for creatine transporter deficiency based on the ACMG/AMP criteria applied, as specified by the ClinGen Cerebral Creatine Deficiency Syndromes Variant Curation Expert Panel (Specifications Version 2.1.0): BA1, BP4. (Classification approved by the ClinGen Cerebral Creatine Deficiency Syndromes Variant Curation Expert Panel on August 10, 2026)

Labcorp Genetics (formerly Invitae), Labcorp
Classification: Likely benign for Creatine transporter deficiency. Last evaluated: 2025-06-02. Review status: criteria provided, single submitter. Criteria: Invitae Variant Classification Sherloc (09022015). Collection method: clinical testing. Allele origin: germline. Not counted in ClinVar's aggregate classification.

Ambry Genetics
Classification: Uncertain significance for Inborn genetic diseases. Last evaluated: 2017-06-28. Review status: criteria provided, single submitter. Criteria: Ambry Variant Classification Scheme 2023. Collection method: clinical testing. Allele origin: germline. Not counted in ClinVar's aggregate classification.
Comment: The p.K18N variant (also known as c.54G>C), located in coding exon 1 of the SLC6A8 gene, results from a G to C substitution at nucleotide position 54. The lysine at codon 18 is replaced by asparagine, an amino acid with similar properties. This amino acid position is not well conserved on limited sequence alignment. In addition, this alteration is predicted to be tolerated by in silico analysis. Since supporting evidence is limited at this time, the clinical significance of this alteration remains unclear.

Natera, Inc.
Classification: Uncertain significance for Creatine deficiency syndrome 1. Last evaluated: 2020-09-16. Review status: no assertion criteria provided. Collection method: clinical testing. Allele origin: germline. Not counted in ClinVar's aggregate classification.